The following is an entry in ClinVar:

ClinVar aggregate classification (germline): Likely pathogenic (1 of 4 stars; one submission).

Conditions:
Hypothyroidism due to TSH receptor mutations. Also called: Hypothyroidism, congenital, nongoitrous, 1; HYPOTHYROIDISM DUE TO UNRESPONSIVENESS TO THYROTROPIN; HYPOTHYROIDISM, CONGENITAL, DUE TO TSH RESISTANCE; HYPOTHYROIDISM, NONAUTOIMMUNE; THYROID-STIMULATING HORMONE, RESISTANCE TO; TSH RESISTANCE. Identifiers: Orphanet 90673, MedGen C3493776, MONDO:0010142, OMIM 275200.

gnomAD v4.1: 1 of 1,614,064 alleles (0.000062%); highest among the groups gnomAD compares: Non-Finnish European, 0.000085%; no homozygotes.

Submission:

Molecular Genetics Department, Kulakov National Medical Research Center for Obstetrics, Gynecology and Perinatology
Classification: Likely pathogenic for Hypothyroidism due to TSH receptor mutations. Review status: criteria provided, single submitter. Criteria: ACMG Guidelines, 2015. Collection method: clinical testing. Allele origin: germline. Affected: yes. Observed: 1 variant allele.
Comment: A previously undescribed heterozygous nucleotide variant creates an alteration of the canonical splice site c.882-1G>A in the TSHR gene (rs1295170005). Homozygous and compound heterozygous variants are reported in patients with hypothyroidism, congenital, nongoitrous, 1, 275200. The variant is not present in population database (gnomAD no frequency). The variant is found in trans-position with the TSHR variant (NM_000369.5:c.2293del). In summary, the currently available evidence indicates that the variant is pathogenic, but additional data are needed to prove that conclusively. Therefore, this variant has been classified as likely pathogenic.

NM_000369.5(TSHR):c.882-1G>A

Genes: TSHR (thyroid stimulating hormone receptor; plus strand), TSHR-AS1 (TSHR antisense RNA 1; minus strand). Cytogenetic location: 14q31.1.
Variant type: single nucleotide variant.
Coding change: c.882-1G>A on transcript NM_000369.5 (MANE Select); the canonical splice acceptor site of the intron before coding-DNA position 882, G replaced by A.
Molecular consequence: splice acceptor variant.
Genome position (GRCh38, 1-based): chr14:81,142,939, G>A. VCF-style: chr14-81142939-G-A. GRCh37 (hg19) VCF-style: chr14-81609283-G-A.
Identifiers: ClinVar variation 4294435 (VCV004294435.1).